The following is an entry in ClinVar:

ClinVar aggregate classification (germline): Pathogenic (1 of 4 stars; one submission).

Conditions:
Coffin-Siris syndrome 6. Identifiers: MedGen C4540499, MONDO:0033492, OMIM 617808.

Submission:

Medical Genetics Center, Maternal and Child Health Hospital of Hubei Province
Classification: Pathogenic for Coffin-Siris syndrome 6. Last evaluated: 2025-02-21. Review status: criteria provided, single submitter. Criteria: ACMG Guidelines, 2015. Collection method: clinical testing. Allele origin: de novo. Affected: yes.
Comment: PVS1+PS2_Supporting+PM2_Supporting

NM_152641.4(ARID2):c.2811_2812insCAAGCTCAATAAGGTCAA (p.Thr938delinsGlnAlaGlnTer)

Gene: ARID2 (AT-rich interaction domain 2; plus strand). Cytogenetic location: 12q12.
Variant type: Insertion.
Coding change: c.2811_2812insCAAGCTCAATAAGGTCAA on transcript NM_152641.4 (MANE Select); coding-DNA positions 2811 to 2812, CAAGCTCAATAAGGTCAA inserted.
Protein change: p.Thr938delinsGlnAlaGlnTer.
Molecular consequence: nonsense.
Genome position: GRCh38 VCF-style: chr12-45850926-C-CAAGGTCAACAAGCTCAAT. GRCh37 (hg19) VCF-style: chr12-46244709-C-CAAGGTCAACAAGCTCAAT.
Other names: c.2811_2812insCAAGCTCAATAAGGTCAA, p.Thr938delinsGlnAlaGlnTer (NM_001347839.2).
Identifiers: ClinVar variation 4890676 (VCV004890676.1).
Genomic context (GRCh38, chr12:45,850,926, plus strand): 5'-ATTCAACAACCACAGCAGCCAACCCAACAAAGCGTAGTGATTGTAAGCCAGCCAGCTCAA[C>CAAGGTCAACAAGCTCAAT]AAGGTCAAACTTATGCACCAGCCATTCACCAAATTGTTCTTGCTAATCCAGCAGCTCTTC-3'